The following is an entry in ClinVar:

ClinVar aggregate classification (germline): Benign. Review status: criteria provided, multiple submitters, no conflicts (2 of 4 stars). 4 submissions from 4 submitters: Benign (4). Last evaluated 2024-07-15.

Allele frequency attached by ClinVar (database versions not stated): 1000 Genomes Project 0.40695; 1000 Genomes Project 30x 0.40943; ExAC 0.50317; TOPMed 0.50951; gnomAD exomes 0.51592; gnomAD 0.52507 and 0.53169.
gnomAD v4.1: 916,903 of 1,535,842 alleles (60%); highest among the groups gnomAD compares: Non-Finnish European, 64%; 281,472 homozygotes.

Submissions (4):

Unidad de Genómica Garrahan, Hospital de Pediatría Garrahan
Classification: Benign. Last evaluated: 2024-07-15. Review status: criteria provided, single submitter. Criteria: ACMG Guidelines, 2015. Collection method: clinical testing. Allele origin: germline. Affected: no. Observed: 62 variant alleles.
Comment: This variant is classified as Benign based on local population frequency. This variant was detected in 67% of patients studied in a panel designed for Epileptic and Developmental Encephalopathy and Progressive Myoclonus Epilepsy. Number of patients: 62. Only high quality variants are reported.

Blueprint Genetics
Classification: Benign. Last evaluated: 2023-03-28. Review status: criteria provided, single submitter. Criteria: ACMG Guidelines, 2015. Collection method: clinical testing. Allele origin: germline.

GeneDx
Classification: Benign. Last evaluated: 2018-06-18. Review status: criteria provided, single submitter. Criteria: GeneDx Variant Classification Process June 2021. Collection method: clinical testing. Allele origin: germline. Affected: yes.

Breakthrough Genomics
Classification: Benign. Review status: criteria provided, single submitter. Criteria: ACMG Guidelines, 2015. Collection method: not provided. Allele origin: germline. Inheritance: Autosomal recessive inheritance. Affected: yes.

NM_016373.4(WWOX):c.*263C>G

Genes: MAF (MAF bZIP transcription factor; minus strand), WWOX (WW domain containing oxidoreductase; plus strand). Cytogenetic location: 16q23.2.
Variant type: single nucleotide variant.
Coding change: c.*263C>G on transcript NM_016373.4 (MANE Select); 263 bases downstream of the stop codon, C replaced by G.
Molecular consequence: 3 prime UTR variant.
Genome position (GRCh38, 1-based): chr16:79,212,059, C>G. VCF-style: chr16-79212059-C-G. GRCh37 (hg19) VCF-style: chr16-79245956-C-G.
Other names: c.*263C>G (NM_001291997.2).
Identifiers: ClinVar variation 1234430 (VCV001234430.7), dbSNP rs2288034, ClinGen allele CA8183894.